The following is an entry in ClinVar:

ClinVar aggregate classification (germline): Likely benign. Review status: criteria provided, multiple submitters, no conflicts (2 of 4 stars). 2 submissions from 2 submitters: Likely benign (2). Last evaluated 2019-11-01.

Conditions:
Osteogenesis imperfecta type 7 (OI7). Also called: OSTEOGENESIS IMPERFECTA, TYPE IIB; Osteogenesis imperfecta type 2B; OI type 2B; Osteogenesis imperfecta, perinatal lethal autosomal recessive; OI type IIB; OI type 7. Identifiers: MedGen C1853162, MONDO:0012536, OMIM 610682.

Allele frequency attached by ClinVar (database versions not stated): gnomAD 0.00315 and 0.00336; TOPMed 0.00359; 1000 Genomes Project 0.00539; 1000 Genomes Project 30x 0.00547.
gnomAD v4.1: 563 of 350,504 alleles (0.16%); highest among the groups gnomAD compares: African/African-American, 1.1%; 4 homozygotes.

Submissions (2):

GeneDx
Classification: Likely benign. Last evaluated: 2019-11-01. Review status: criteria provided, single submitter. Criteria: GeneDx Variant Classification Process June 2021. Collection method: clinical testing. Allele origin: germline. Affected: yes.

Illumina Laboratory Services, Illumina
Classification: Likely benign for Osteogenesis imperfecta type 7. Last evaluated: 2018-01-12. Review status: criteria provided, single submitter. Criteria: ICSL Variant Classification Criteria 13 December 2019. Collection method: clinical testing. Allele origin: germline.
Comment: This variant was observed in the ICSL laboratory as part of a predisposition screen in an ostensibly healthy population. It had not been previously curated by ICSL or reported in the Human Gene Mutation Database (HGMD: prior to June 1st, 2018), and was therefore a candidate for classification through an automated scoring system. Utilizing variant allele frequency, disease prevalence and penetrance estimates, and inheritance mode, an automated score was calculated to assess if this variant is too frequent to cause the disease. Based on the score and internal cut-off values, a variant classified as likely benign is not then subjected to further curation. The score for this variant resulted in a classification of likely benign for this disease.

NM_006371.5(CRTAP):c.*288C>T

Gene: CRTAP (cartilage associated protein; plus strand). Cytogenetic location: 3p22.3.
Variant type: single nucleotide variant.
Coding change: c.*288C>T on transcript NM_006371.5 (MANE Select); 288 bases downstream of the stop codon, C replaced by T.
Molecular consequence: 3 prime UTR variant.
Genome position (GRCh38, 1-based): chr3:33,142,736, C>T. VCF-style: chr3-33142736-C-T. GRCh37 (hg19) VCF-style: chr3-33184228-C-T.
Identifiers: ClinVar variation 900933 (VCV000900933.6), dbSNP rs111603077, ClinGen allele CA72673491.